The following is an entry in ClinVar:

NM_000409.5(GUCA1ANB-GUCA1A):c.-457-8C>T

Genes: CIMIP3 (ciliary microtubule inner protein 3; plus strand), GUCA1ANB-GUCA1A (GUCA1ANB-GUCA1A readthrough; plus strand), GUCA1A (guanylate cyclase activator 1A; plus strand). Cytogenetic location: 6p21.1.
Variant type: single nucleotide variant.
Coding change: c.-457-8C>T on transcript NM_000409.5; 8 bases into the intron before 457 bases upstream of the start codon, C replaced by T.
Molecular consequence: intron variant.
Genome position (GRCh38, 1-based): chr6:42,162,912, C>T. VCF-style: chr6-42162912-C-T. GRCh37 (hg19) VCF-style: chr6-42130650-C-T.
Other names: c.-828-8C>T (NM_001319061.2); c.-282+7319C>T (NM_001319062.2); c.55-8C>T (NM_001370581.1); c.10-8C>T (NM_001384994.1).
Identifiers: ClinVar variation 356686 (VCV000356686.5), dbSNP rs58894089, ClinGen allele CA3805194.

ClinVar aggregate classification (germline): Benign (1 of 4 stars; one submission).

Conditions:
Cone dystrophy 3 (COD3). Also called: RETINAL CONE DYSTROPHY. Identifiers: Orphanet 1872, MedGen C1865869, MONDO:0011193, OMIM 602093.

Allele frequency attached by ClinVar (database versions not stated): 1000 Genomes Project 0.06889; 1000 Genomes Project 30x 0.06918; TOPMed 0.07445.
gnomAD v4.1: 21,877 of 614,810 alleles (3.6%); highest among the groups gnomAD compares: African/African-American, 18%; 1,134 homozygotes.

Submission:

Illumina Laboratory Services, Illumina
Classification: Benign for Cone dystrophy 3. Last evaluated: 2018-01-12. Review status: criteria provided, single submitter. Criteria: ICSL Variant Classification Criteria 13 December 2019. Collection method: clinical testing. Allele origin: germline.
Comment: This variant was observed in the ICSL laboratory as part of a predisposition screen in an ostensibly healthy population. It had not been previously curated by ICSL or reported in the Human Gene Mutation Database (HGMD: prior to June 1st, 2018), and was therefore a candidate for classification through an automated scoring system. Utilizing variant allele frequency, disease prevalence and penetrance estimates, and inheritance mode, an automated score was calculated to assess if this variant is too frequent to cause the disease. Based on the score and internal cut-off values, a variant classified as benign is not then subjected to further curation. The score for this variant resulted in a classification of benign for this disease.